The following is an entry in ClinVar:

NM_000169.3(GLA):c.281G>A (p.Cys94Tyr)

Genes: GLA (galactosidase alpha; minus strand), RPL36A-HNRNPH2 (RPL36A-HNRNPH2 readthrough; plus strand). Cytogenetic location: Xq22.1.
Variant type: single nucleotide variant.
Coding change: c.281G>A on transcript NM_000169.3 (MANE Select); coding-DNA position 281, G replaced by A.
Protein change: p.Cys94Tyr; replaces cysteine 94 with tyrosine.
Molecular consequence: missense variant. On other transcripts: non-coding transcript variant (3), intron variant (2).
Genome position (GRCh38, 1-based): chrX:101,403,899, C>T on the plus strand (G>A on the coding strand, the complement: GLA is on the minus strand). VCF-style: chrX-101403899-C-T. GRCh37 (hg19) VCF-style: chrX-100658887-C-T.
Other names: c.301-8037C>T (NM_001199973.2); c.178-8037C>T (NM_001199974.2); c.404G>A, p.Cys135Tyr (NM_001406747.1, NM_001406749.1); c.281G>A, p.Cys94Tyr (NM_001406748.1); short protein forms C135Y.
Identifiers: ClinVar variation 92549 (VCV000092549.31), dbSNP rs113173389, ClinGen allele CA021617.

ClinVar aggregate classification (germline): Pathogenic/Likely pathogenic. Review status: criteria provided, multiple submitters, no conflicts (2 of 4 stars). 5 submissions from 5 submitters: Pathogenic (4); Likely pathogenic (1). Last evaluated 2026-09-08.

Conditions:
Fabry disease. Also called: Ceramide trihexosidosis; Fabry's disease; HEREDITARY DYSTOPIC LIPIDOSIS; Angiokeratoma corporis diffusum; ALPHA-GALACTOSIDASE A DEFICIENCY; ANDERSON-FABRY DISEASE. Identifiers: Orphanet 324, MedGen C0002986, MONDO:0010526, OMIM 301500, HP:0001071. Disease mechanism: Fabry disease is due to inactivating mutations in the X-linked GLA gene resulting in deficiency of the enzyme Alpha Galactosidase-A., loss of function.

Submissions (5):

Genomenon, Inc
Classification: Pathogenic for Fabry disease. Last evaluated: 2026-09-08. Review status: criteria provided, single submitter. Criteria: Genomenon Sequence Variant Interpretation Standards - Updated. Collection method: curation. Allele origin: germline. Affected: yes.
Comment: GLA p.Cys94Tyr (c.281G>A) is a missense variant that changes the amino acid at codon 94 from Cysteine to Tyrosine. This variant has been observed in at least one proband with clinical features consistent with Fabry disease (PMID:26415523;33906135;37406430;31996269;34128148;9100224;16630168;12428061;16970764;40692291). The variant was found to segregate with disease in at least one affected family (PMID:34128148;16630168;16970764;40692291). At least one functional study has demonstrated a substantial alteration in protein function relative to the wild-type (PMID:32023956;26415523;27657681). This variant is located in a mutational hotspot and/or important functional domain. It is absent or not present at a significant frequency in gnomAD. In silico models predict that this variant is possibly or probably damaging. In conclusion, we classify GLA p.Cys94Tyr (c.281G>A) as a pathogenic variant.

Genetics Laboratory, Great Ormond Street Hospital NHS Foundation Trust, North Thames Genomic Laboratory Hub
Classification: Pathogenic for Fabry disease. Last evaluated: 2026-03-25. Review status: criteria provided, single submitter. Criteria: ACGS Best Practice Guidelines for Variant Classification in Rare Disease 2024 v1.2. Collection method: clinical testing. Allele origin: germline. Affected: yes.
Comment: PS4_moderate, PM2_moderate, PP3_supporting, PM5_moderate, PP4_strong

Labcorp Genetics (formerly Invitae), Labcorp
Classification: Pathogenic for Fabry disease. Last evaluated: 2025-09-14. Review status: criteria provided, single submitter. Criteria: Invitae Variant Classification Sherloc (09022015). Collection method: clinical testing. Allele origin: germline.
Comment: This sequence change replaces cysteine, which is neutral and slightly polar, with tyrosine, which is neutral and polar, at codon 94 of the GLA protein (p.Cys94Tyr). This variant is not present in population databases (gnomAD no frequency). This missense change has been observed in individual(s) with X-linked Fabry disease (PMID: 9100224; internal data). ClinVar contains an entry for this variant (Variation ID: 92549). Invitae Evidence Modeling of protein sequence and biophysical properties (such as structural, functional, and spatial information, amino acid conservation, physicochemical variation, residue mobility, and thermodynamic stability) indicates that this missense variant is expected to disrupt GLA protein function with a positive predictive value of 80%. Experimental studies have shown that this missense change affects GLA function (PMID: 26415523). This variant disrupts the p.Cys94 amino acid residue in GLA. Other variant(s) that disrupt this residue have been observed in individuals with GLA-related conditions (PMID: 9100224, 11668641, 31321922; internal data), which suggests that this may be a clinically significant amino acid residue. For these reasons, this variant has been classified as Pathogenic.

CeGaT Center for Human Genetics Tuebingen
Classification: Likely pathogenic. Last evaluated: 2024-07-01. Review status: criteria provided, single submitter. Criteria: CeGaT Center For Human Genetics Tuebingen Variant Classification Criteria Version 2. Collection method: clinical testing. Allele origin: germline. Affected: yes. Observed: 1 variant allele.
Comment: GLA: PM1, PM2, PM5, PS4:Moderate

Eurofins Ntd Llc (ga)
Classification: Pathogenic. Last evaluated: 2013-05-10. Review status: criteria provided, single submitter. Criteria: EGL Classification Definitions 2015. Collection method: clinical testing. Allele origin: germline. Observed: 3 variant alleles, 2 heterozygotes, 1 hemizygote.

Literature cited by the submitters: PubMed 26415523 (cited by Genomenon, Inc and Labcorp Genetics (formerly Invitae), Labcorp); PubMed 33906135 (cited by Genomenon, Inc); PubMed 37406430 (cited by Genomenon, Inc); PubMed 31996269 (cited by Genomenon, Inc); PubMed 34128148 (cited by Genomenon, Inc); PubMed 9100224 (cited by Genomenon, Inc and Labcorp Genetics (formerly Invitae), Labcorp); PubMed 16630168 (cited by Genomenon, Inc); PubMed 12428061 (cited by Genomenon, Inc); PubMed 16970764 (cited by Genomenon, Inc); PubMed 40692291 (cited by Genomenon, Inc); PubMed 32023956 (cited by Genomenon, Inc); PubMed 27657681 (cited by Genomenon, Inc); PubMed 11668641 (cited by Labcorp Genetics (formerly Invitae), Labcorp); PubMed 31321922 (cited by Labcorp Genetics (formerly Invitae), Labcorp).